The following is an entry in ClinVar:

ClinVar aggregate classification (germline): Conflicting classifications of pathogenicity. Review status: criteria provided, conflicting classifications (1 of 4 stars). 8 submissions from 8 submitters: Uncertain significance (6); Benign (1); Likely benign (1). Last evaluated 2026-05-27.

Conditions:
Keratosis palmoplantaris striata 2. Also called: KERATODERMA, PALMOPLANTAR, STRIATE FORM II; STRIATE PALMOPLANTAR KERATODERMA II; Keratosis palmoplantaris striata II. Identifiers: MedGen C1852127, MONDO:0013034, OMIM 612908.
Lethal acantholytic epidermolysis bullosa (EBLA). Identifiers: Orphanet 158687, MedGen C1864826, MONDO:0012323, OMIM 609638.
Woolly hair-skin fragility syndrome (WHSF). Identifiers: Orphanet 293165, MedGen C1843292, MONDO:0957307, OMIM 620415.
Arrhythmogenic cardiomyopathy with wooly hair and keratoderma. Also called: Carvajal syndrome; Dilated cardiomyopathy with woolly hair and keratoderma; Arrhythmogenic cardiomyopathy with woolly hair and keratoderma; PALMOPLANTAR KERATODERMA WITH LEFT VENTRICULAR CARDIOMYOPATHY AND WOOLLY HAIR. Identifiers: Orphanet 65282, MedGen C1854063, MONDO:0011581, OMIM 605676.
Cardiomyopathy, dilated, with wooly hair, keratoderma, and tooth agenesis. Also called: Cardiomyopathy, dilated, with woolly hair, keratoderma, and tooth agenesis; Erythrokeratodermia-cardiomyopathy syndrome. Identifiers: Orphanet 476096, Orphanet 65282, MedGen C4014393, MONDO:0014355, OMIM 615821.
Arrhythmogenic right ventricular dysplasia 8 (ARVD8). Also called: Arrhythmogenic Right Ventricular Dysplasia/Cardiomyopathy 8; ARRHYTHMOGENIC RIGHT VENTRICULAR DYSPLASIA, FAMILIAL, 8; ARRHYTHMOGENIC RIGHT VENTRICULAR CARDIOMYOPATHY 8. Identifiers: MedGen C1843896, MONDO:0011831, OMIM 607450.
Cardiovascular phenotype. Identifiers: MedGen CN230736.
Cardiomyopathy (CMYO). Also called: Cardiomyopathies. Identifiers: Orphanet 167848, MedGen C0878544, MONDO:0004994, HP:0001638. Inheritance: Various modes of inheritance.

Allele frequency attached by ClinVar (database versions not stated): gnomAD exomes 0.00002; ExAC 0.00004; ESP Exome Variant Server 0.00008; TOPMed 0.00008; gnomAD 0.00019.

Submissions (8):

Women's Health and Genetics/Laboratory Corporation of America, LabCorp
Classification: Likely benign. Last evaluated: 2026-05-27. Review status: criteria provided, single submitter. Criteria: LabCorp Variant Classification Summary - May 2015. Collection method: clinical testing. Allele origin: germline.
Comment: Variant summary: DSP c.6247C>T (p.Arg2083Cys) results in a non-conservative amino acid change in the encoded protein sequence. Algorithms developed to predict the effect of missense changes on protein structure and function are either unavailable or do not agree on the potential impact of this missense change. The variant allele was found at a frequency of 2.4e-05 in 251264 control chromosomes (gnomAD v2). In the gnomAD v4 database, this variant was observed as 105 heterozygotes and 1 homozygote. c.6247C>T has been observed in individual(s) affected with LQTS and cardiomyopathies without strong evidence for causality (Brion_2014, Stava_2022). These report(s) do not provide unequivocal conclusions about association of the variant with disease. At least one publication reports experimental evidence evaluating an impact on protein function. These results showed no damaging effect of this variant in a bacterium system (Mohammed_2022). The following publications have been ascertained in the context of this evaluation (PMID: 24981977, 35008956, 35653365). ClinVar contains an entry for this variant (Variation ID: 626491). Based on the evidence outlined above, the variant was classified as likely benign.

Ambry Genetics
Classification: Uncertain significance for Cardiovascular phenotype. Last evaluated: 2026-02-27. Review status: criteria provided, single submitter. Criteria: Ambry Variant Classification Scheme 2023. Collection method: clinical testing. Allele origin: germline.
Comment: The c.6247C>T (p.R2083C) alteration is located in exon 24 (coding exon 24) of the DSP gene. This alteration results from a C to T substitution at nucleotide position 6247, causing the arginine (R) at amino acid position 2083 to be replaced by a cysteine (C). Based on data from gnomAD, the T allele has an overall frequency of 0.004% (12/282646) total alleles studied. The highest observed frequency was 0.016% (4/24902) of African alleles. Based on insufficient or conflicting evidence, the clinical significance of this alteration remains unclear.

Labcorp Genetics (formerly Invitae), Labcorp
Classification: Benign for Arrhythmogenic cardiomyopathy with wooly hair and keratoderma; Arrhythmogenic right ventricular dysplasia 8. Last evaluated: 2025-11-23. Review status: criteria provided, single submitter. Criteria: Invitae Variant Classification Sherloc (09022015). Collection method: clinical testing. Allele origin: germline.

Blueprint Genetics
Classification: Uncertain significance. Last evaluated: 2024-10-01. Review status: criteria provided, single submitter. Criteria: ACMG Guidelines, 2015. Collection method: clinical testing. Allele origin: germline.

All of Us Research Program, National Institutes of Health
Classification: Uncertain significance for Arrhythmogenic cardiomyopathy with wooly hair and keratoderma. Last evaluated: 2024-09-23. Review status: criteria provided, single submitter. Criteria: ACMG Guidelines, 2015. Collection method: clinical testing. Allele origin: germline. Inheritance: Autosomal dominant inheritance. Observed: 28 variant alleles, 28 heterozygotes.
Comment: This missense variant replaces arginine with cysteine at codon 2083 of the DSP protein. Computational prediction is inconclusive regarding the impact of this variant on protein structure and function (internally defined REVEL score threshold 0.5 < inconclusive < 0.7, PMID: 27666373). To our knowledge, functional studies have not been reported for this variant. This variant has been reported in an individual affected with long QT syndrome (PMID: 24981977); this individual also carried a variant in the KCNH2 gene with conflicting interpretations in ClinVar (variation ID67445) and thus uncertain impact on the observed phenotype. The DSP p.Arg2083Cys variant has been identified in 12/282646 chromosomes in the general population by the Genome Aggregation Database (gnomAD). The available evidence is insufficient to determine the role of this variant in disease conclusively. Therefore, this variant is classified as a Variant of Uncertain Significance.

This study involves interpretation of variants in research participants for the purpose of population health screening. Participant phenotype was not available at the time of variant classification. Additional details can be found in publication PMID: 35346344, PMCID: PMC8962531

Color Diagnostics, LLC DBA Color Health
Classification: Uncertain significance for Cardiomyopathy. Last evaluated: 2024-04-09. Review status: criteria provided, single submitter. Criteria: ACMG Guidelines, 2015. Collection method: clinical testing. Allele origin: germline.
Comment: This missense variant replaces arginine with cysteine at codon 2083 of the DSP protein. Computational prediction is inconclusive regarding the impact of this variant on protein structure and function (internally defined REVEL score threshold 0.5 < inconclusive < 0.7, PMID: 27666373). To our knowledge, functional studies have not been reported for this variant. This variant has been reported in an individual affected with long QT syndrome (PMID: 24981977); this individual also carried a variant in the KCNH2 gene with conflicting interpretations in ClinVar (variation ID67445) and thus uncertain impact on the observed phenotype. The DSP p.Arg2083Cys variant has been identified in 12/282646 chromosomes in the general population by the Genome Aggregation Database (gnomAD). The available evidence is insufficient to determine the role of this variant in disease conclusively. Therefore, this variant is classified as a Variant of Uncertain Significance.

Fulgent Genetics
Classification: Uncertain significance for Arrhythmogenic cardiomyopathy with wooly hair and keratoderma; Arrhythmogenic right ventricular dysplasia 8; Lethal acantholytic epidermolysis bullosa; Keratosis palmoplantaris striata 2; Cardiomyopathy, dilated, with wooly hair, keratoderma, and tooth agenesis. Last evaluated: 2022-04-05. Review status: criteria provided, single submitter. Criteria: ACMG Guidelines, 2015. Collection method: clinical testing. Allele origin: unknown.

CHEO Genetics Diagnostic Laboratory, Children's Hospital of Eastern Ontario
Classification: Uncertain significance for Cardiomyopathy. Last evaluated: 2017-06-20. Review status: criteria provided, single submitter. Criteria: ACMG Guidelines, 2015. Collection method: clinical testing. Allele origin: germline. Study: Canadian Open Genetics Repository.

Literature cited by the submitters: PubMed 24981977 (cited by 3 submitters); PubMed 35653365 (cited by Women's Health and Genetics/Laboratory Corporation of America, LabCorp); PubMed 35008956 (cited by Women's Health and Genetics/Laboratory Corporation of America, LabCorp).

NM_004415.4(DSP):c.6247C>T (p.Arg2083Cys)

Gene: DSP (desmoplakin; plus strand). Cytogenetic location: 6p24.3.
Variant type: single nucleotide variant.
Coding change: c.6247C>T on transcript NM_004415.4 (MANE Select); coding-DNA position 6247, C replaced by T.
Protein change: p.Arg2083Cys; replaces arginine 2083 with cysteine.
Molecular consequence: missense variant.
Genome position (GRCh38, 1-based): chr6:7,583,509, C>T. VCF-style: chr6-7583509-C-T. GRCh37 (hg19) VCF-style: chr6-7583742-C-T.
Other names: c.4450C>T, p.Arg1484Cys (NM_001008844.3); c.4918C>T, p.Arg1640Cys (NM_001319034.2); c.6247C>T (LRG_423t1); short protein forms R2083C, R1484C, R1640C.
Identifiers: ClinVar variation 626491 (VCV000626491.23), dbSNP rs370093129, ClinGen allele CA047157.